The following is an entry in ClinVar:

ClinVar aggregate classification (germline): Uncertain significance (1 of 4 stars; one submission).

Conditions:
Hereditary cancer-predisposing syndrome. Also called: Hereditary Cancer Syndrome; Hereditary neoplastic syndrome; Tumor predisposition; Neoplastic Syndromes, Hereditary. Identifiers: Orphanet 140162, MedGen C0027672, MeSH D009386, MONDO:0015356.

Submission:

Ambry Genetics
Classification: Uncertain significance for Hereditary cancer-predisposing syndrome. Last evaluated: 2020-01-24. Review status: criteria provided, single submitter. Criteria: Ambry Variant Classification Scheme 2023. Collection method: clinical testing. Allele origin: germline.
Comment: The p.Q820R variant (also known as c.2459A>G), located in coding exon 17 of the CTNNA1 gene, results from an A to G substitution at nucleotide position 2459. The glutamine at codon 820 is replaced by arginine, an amino acid with highly similar properties. This amino acid position is highly conserved in available vertebrate species. In addition, this alteration is predicted to be deleterious by in silico analysis. Since supporting evidence is limited at this time, the clinical significance of this alteration remains unclear.

NM_001903.5(CTNNA1):c.2459A>G (p.Gln820Arg)

Gene: CTNNA1 (catenin alpha 1; plus strand). Cytogenetic location: 5q31.2.
Variant type: single nucleotide variant.
Coding change: c.2459A>G on transcript NM_001903.5 (MANE Select); coding-DNA position 2459, A replaced by G.
Protein change: p.Gln820Arg; replaces glutamine 820 with arginine.
Molecular consequence: missense variant. On other transcripts: 3 prime UTR variant (5), splice acceptor variant (1).
Genome position (GRCh38, 1-based): chr5:138,933,827, A>G. VCF-style: chr5-138933827-A-G. GRCh37 (hg19) VCF-style: chr5-138269516-A-G.
Other names: c.*4A>G (NM_001290307.3, NM_001324002.1, NM_001324003.1 and 2 more transcripts); c.2150A>G, p.Gln717Arg (NM_001290309.3); c.2090A>G, p.Gln697Arg (NM_001290310.3); c.1349A>G, p.Gln450Arg (NM_001290312.1, NM_001323987.1, NM_001323988.1 and 12 more transcripts); c.2459A>G, p.Gln820Arg (NM_001323982.2, NM_001323983.1, NM_001323984.2); c.2366A>G, p.Gln789Arg (NM_001323986.2); c.1214A>G, p.Gln405Arg (NM_001324001.1); c.1010A>G, p.Gln337Arg (NM_001324006.1, NM_001324007.1, NM_001324008.1 and 2 more transcripts); and 3 more; short protein forms Q419R, Q789R, Q337R, Q369R, Q450R, Q820R, Q405R, Q697R.
Identifiers: ClinVar variation 1791585 (VCV001791585.2), dbSNP rs2533948281, ClinGen allele CA361135024.